The following is an entry in ClinVar:

NM_000130.5(F5):c.6332C>T (p.Ala2111Val)

Gene: F5 (coagulation factor V; minus strand). Cytogenetic location: 1q24.2.
Variant type: single nucleotide variant.
Coding change: c.6332C>T on transcript NM_000130.5 (MANE Select); coding-DNA position 6332, C replaced by T.
Protein change: p.Ala2111Val; replaces alanine 2111 with valine.
Molecular consequence: missense variant.
Genome position (GRCh38, 1-based): chr1:169,518,425, G>A on the plus strand (C>T on the coding strand, the complement: F5 is on the minus strand). VCF-style: chr1-169518425-G-A. GRCh37 (hg19) VCF-style: chr1-169487663-G-A.
Other names: short protein forms A2111V.
Identifiers: ClinVar variation 3350430 (VCV003350430.1).

ClinVar aggregate classification (germline): Uncertain significance (0 of 4 stars; one submission).

Conditions:
F5-related disorder. Also called: F5-related condition.

Submission:

PreventionGenetics, part of Exact Sciences
Classification: Uncertain significance for F5-related condition. Last evaluated: 2024-06-20. Review status: no assertion criteria provided. Collection method: clinical testing. Allele origin: germline.
Comment: The F5 c.6332C>T variant is predicted to result in the amino acid substitution p.Ala2111Val. To our knowledge, this variant has not been reported in the literature or in a large population database, indicating this variant is rare. At this time, the clinical significance of this variant is uncertain due to the absence of conclusive functional and genetic evidence.